The following is an entry in ClinVar:

ClinVar aggregate classification (germline): Uncertain significance (1 of 4 stars; one submission).

Conditions:
Cardiovascular phenotype. Identifiers: MedGen CN230736.

Submission:

Ambry Genetics
Classification: Uncertain significance for Cardiovascular phenotype. Last evaluated: 2025-10-01. Review status: criteria provided, single submitter. Criteria: Ambry Variant Classification Scheme 2023. Collection method: clinical testing. Allele origin: germline.
Comment: The p.R182Q variant (also known as c.545G>A), located in coding exon 5 of the TPM1 gene, results from a G to A substitution at nucleotide position 545. The arginine at codon 182 is replaced by glutamine, an amino acid with highly similar properties. This amino acid position is conserved. In addition, this alteration is predicted to be deleterious by in silico analysis. Based on the available evidence, the clinical significance of this variant remains unclear.

NM_001018005.2(TPM1):c.545G>A (p.Arg182Gln)

Gene: TPM1 (tropomyosin 1; plus strand). Cytogenetic location: 15q22.2.
Variant type: single nucleotide variant.
Coding change: c.545G>A on transcript NM_001018005.2 (MANE Select); coding-DNA position 545, G replaced by A.
Protein change: p.Arg182Gln; replaces arginine 182 with glutamine.
Molecular consequence: missense variant. On other transcripts: non-coding transcript variant (17).
Genome position (GRCh38, 1-based): chr15:63,060,921, G>A. VCF-style: chr15-63060921-G-A. GRCh37 (hg19) VCF-style: chr15-63353120-G-A.
Other names: c.545G>A, p.Arg182Gln (NM_000366.6, NM_001018004.2, NM_001018006.2 and 20 more transcripts); c.437G>A, p.Arg146Gln (NM_001018008.2, NM_001301289.2, NM_001330344.2 and 9 more transcripts); c.671G>A, p.Arg224Gln (NM_001365778.1, NM_001407322.1, NM_001407323.1 and 1 more transcripts); short protein forms R182Q, R224Q, R146Q.
Identifiers: ClinVar variation 4615237 (VCV004615237.1).